The following is an entry in ClinVar:

NM_001164508.2(NEB):c.4119C>A (p.Asn1373Lys)

Gene: NEB (nebulin; minus strand). Cytogenetic location: 2q23.3.
Variant type: single nucleotide variant.
Coding change: c.4119C>A on transcript NM_001164508.2 (MANE Select); coding-DNA position 4119, C replaced by A.
Protein change: p.Asn1373Lys; replaces asparagine 1373 with lysine.
Molecular consequence: missense variant.
Genome position (GRCh38, 1-based): chr2:151,672,549, G>T on the plus strand (C>A on the coding strand, the complement: NEB is on the minus strand). VCF-style: chr2-151672549-G-T. GRCh37 (hg19) VCF-style: chr2-152529063-G-T.
Other names: c.4119C>A, p.Asn1373Lys (NM_001164507.2, NM_001271208.2, NM_004543.5); short protein forms N1373K.
Identifiers: ClinVar variation 1403656 (VCV001403656.5), dbSNP rs377653217, ClinGen allele CA57651178.
Genomic context (GRCh38, chr2:151,672,549, plus strand): 5'-TGCAGCTGTGATGCTAACCATGTCCCCAGGGGTATGGTAGCTGGTTTTGGTGTTCTCATA[G>T]TTCTTCTTGTATTCACGATCAGACTGCAGCTTTGCCACATTCATATAGTGGACCAGCTTG-3'
Protein context (NP_001157980.2, residues 1363-1383): KLQSDREYKK[Asn1373Lys]YENTKTSYHT

ClinVar aggregate classification (germline): Uncertain significance (1 of 4 stars; one submission).

Conditions:
Nemaline myopathy 2 (NEM2). Also called: Nemaline myopathy 2, autosomal recessive. Identifiers: MedGen C1850569, MONDO:0009725, OMIM 256030.

gnomAD v4.1: 2 of 1,613,976 alleles (0.00012%); highest among the groups gnomAD compares: East Asian, 0.0022%; no homozygotes.

Submission:

Labcorp Genetics (formerly Invitae), Labcorp
Classification: Uncertain significance for Nemaline myopathy 2. Last evaluated: 2021-09-24. Review status: criteria provided, single submitter. Criteria: Invitae Variant Classification Sherloc (09022015). Collection method: clinical testing. Allele origin: germline.
Comment: This sequence change replaces asparagine with lysine at codon 1373 of the NEB protein (p.Asn1373Lys). The asparagine residue is moderately conserved and there is a moderate physicochemical difference between asparagine and lysine. This variant is not present in population databases (ExAC no frequency). This variant has not been reported in the literature in individuals with NEB-related conditions. Algorithms developed to predict the effect of missense changes on protein structure and function are either unavailable or do not agree on the potential impact of this missense change (SIFT: "Deleterious"; PolyPhen-2: "Not Available"; Align-GVGD: "Class C0"). In summary, the available evidence is currently insufficient to determine the role of this variant in disease. Therefore, it has been classified as a Variant of Uncertain Significance.